The following is an entry in ClinVar:

NM_001346754.2(PIGW):c.874A>G (p.Ser292Gly)

Genes: MYO19 (myosin XIX; minus strand), PIGW (phosphatidylinositol glycan anchor biosynthesis class W; plus strand). Cytogenetic location: 17q12.
Variant type: single nucleotide variant.
Coding change: c.874A>G on transcript NM_001346754.2 (MANE Select); coding-DNA position 874, A replaced by G.
Protein change: p.Ser292Gly; replaces serine 292 with glycine.
Molecular consequence: missense variant.
Genome position (GRCh38, 1-based): chr17:36,537,975, A>G. VCF-style: chr17-36537975-A-G. GRCh37 (hg19) VCF-style: chr17-34893824-A-G.
Other names: c.874A>G (NM_178517.3); c.874A>G, p.Ser292Gly (NM_001346755.2, NM_178517.5); short protein forms S292G.
Identifiers: ClinVar variation 1412225 (VCV001412225.4), dbSNP rs148837720, ClinGen allele CA290116330.

ClinVar aggregate classification (germline): Uncertain significance. Review status: criteria provided, multiple submitters, no conflicts (2 of 4 stars). 2 submissions from 2 submitters: Uncertain significance (2). Last evaluated 2025-08-27.

Conditions:
Inborn genetic diseases. Identifiers: MedGen C0950123, MeSH D030342.
Hyperphosphatasia with intellectual disability syndrome 5 (GPIBD11). Also called: GLYCOSYLPHOSPHATIDYLINOSITOL BIOSYNTHESIS DEFECT 11. Identifiers: Orphanet 247262, MedGen C4014958, MONDO:0014457, OMIM 616025.

Allele frequency attached by ClinVar (database versions not stated): gnomAD exomes 0.00001 and 0.00004; ExAC 0.00007; gnomAD 0.00009; TOPMed 0.00011; ESP Exome Variant Server 0.00015; 1000 Genomes Project 0.00040; 1000 Genomes Project 30x 0.00047.
gnomAD v4.1: 24 of 1,614,048 alleles (0.0015%); highest among the groups gnomAD compares: African/African-American, 0.019%; no homozygotes.

Submissions (2):

Ambry Genetics
Classification: Uncertain significance for Inborn genetic diseases. Last evaluated: 2025-08-27. Review status: criteria provided, single submitter. Criteria: Ambry Variant Classification Scheme 2023. Collection method: clinical testing. Allele origin: germline.

Labcorp Genetics (formerly Invitae), Labcorp
Classification: Uncertain significance for Hyperphosphatasia with intellectual disability syndrome 5. Last evaluated: 2022-06-14. Review status: criteria provided, single submitter. Criteria: Invitae Variant Classification Sherloc (09022015). Collection method: clinical testing. Allele origin: germline.
Comment: This sequence change replaces serine, which is neutral and polar, with glycine, which is neutral and non-polar, at codon 292 of the PIGW protein (p.Ser292Gly). This variant is present in population databases (rs148837720, gnomAD 0.04%). This variant has not been reported in the literature in individuals affected with PIGW-related conditions. Algorithms developed to predict the effect of missense changes on protein structure and function (SIFT, PolyPhen-2, Align-GVGD) all suggest that this variant is likely to be tolerated. In summary, the available evidence is currently insufficient to determine the role of this variant in disease. Therefore, it has been classified as a Variant of Uncertain Significance.